The following is an entry in ClinVar:

ClinVar aggregate classification (germline): Conflicting classifications of pathogenicity. Review status: criteria provided, conflicting classifications (1 of 4 stars). 2 submissions from 2 submitters: Likely pathogenic (1); Uncertain significance (1). Last evaluated 2025-01-09.

Conditions:
Deafness, X-linked 5 (DFNX5). Also called: AUDITORY NEUROPATHY, X-LINKED, 1, WITH PERIPHERAL SENSORY NEUROPATHY; DEAFNESS, X-LINKED 5, WITH PERIPHERAL NEUROPATHY. Identifiers: Orphanet 139583, MedGen C1845095, OMIM 300614.

gnomAD v4.1: 2 of 1,211,966 alleles (0.00017%); highest among the groups gnomAD compares: Non-Finnish European, 0.00011%; no homozygotes.

Submissions (2):

Institute of Rare Diseases, West China Hospital, Sichuan University
Classification: Likely pathogenic for Deafness, X-linked 5. Last evaluated: 2025-01-09. Review status: criteria provided, single submitter. Criteria: ClinGen HL ACMG Specifications v1. Collection method: research. Allele origin: germline. Affected: yes.

GeneDx
Classification: Uncertain significance. Last evaluated: 2024-04-03. Review status: criteria provided, single submitter. Criteria: GeneDx Variant Classification Process June 2021. Collection method: clinical testing. Allele origin: germline. Affected: yes.
Comment: Not observed at significant frequency in large population cohorts (gnomAD); In silico analysis supports that this missense variant has a deleterious effect on protein structure/function; Has not been previously published as pathogenic or benign to our knowledge

NM_004208.4(AIFM1):c.451C>T (p.Arg151Trp)

Genes: AIFM1 (apoptosis inducing factor mitochondria associated 1; minus strand), RAB33A (RAB33A, member RAS oncogene family; plus strand). Cytogenetic location: Xq26.1.
Variant type: single nucleotide variant.
Coding change: c.451C>T on transcript NM_004208.4 (MANE Select); coding-DNA position 451, C replaced by T.
Protein change: p.Arg151Trp; replaces arginine 151 with tryptophan.
Molecular consequence: missense variant. On other transcripts: non-coding transcript variant (1).
Genome position (GRCh38, 1-based): chrX:130,147,775, G>A on the plus strand (C>T on the coding strand, the complement: AIFM1 is on the minus strand). VCF-style: chrX-130147775-G-A. GRCh37 (hg19) VCF-style: chrX-129281750-G-A.
Other names: c.451C>T, p.Arg151Trp (NM_001130847.4); c.439C>T, p.Arg147Trp (NM_145812.3); short protein forms R147W, R151W.
Identifiers: ClinVar variation 3362120 (VCV003362120.2).